The following is an entry in ClinVar:

ClinVar aggregate classification (germline): Uncertain significance. Review status: criteria provided, multiple submitters, no conflicts (2 of 4 stars). 2 submissions from 2 submitters: Uncertain significance (2). Last evaluated 2025-10-29.

Conditions:
Hereditary cancer-predisposing syndrome. Also called: Hereditary neoplastic syndrome; Neoplastic Syndromes, Hereditary; Tumor predisposition; Hereditary Cancer Syndrome. Identifiers: Orphanet 140162, MedGen C0027672, MeSH D009386, MONDO:0015356.
Familial adenomatous polyposis 1 (FAP1). Also called: FAMILIAL ADENOMATOUS POLYPOSIS 1, ATTENUATED; POLYPOSIS, ADENOMATOUS INTESTINAL. Identifiers: MedGen C2713442, MONDO:0021056, OMIM 175100. Disease mechanism: loss of function.

Submissions (2):

Ambry Genetics
Classification: Uncertain significance for Hereditary cancer-predisposing syndrome. Last evaluated: 2025-10-29. Review status: criteria provided, single submitter. Criteria: Ambry Variant Classification Scheme 2023. Collection method: clinical testing. Allele origin: germline.
Comment: The p.A1700G variant (also known as c.5099C>G), located in coding exon 15 of the APC gene, results from a C to G substitution at nucleotide position 5099. The alanine at codon 1700 is replaced by glycine, an amino acid with similar properties. This amino acid position is not well conserved in available vertebrate species. In addition, in silico predictors for this gene do not accurately predict pathogenicity. Missense variants in APC are not a common cause of disease (Spier I et al. Genet Med. 2024 Feb;26(2):100992). Based on the available evidence, the clinical significance of this variant remains unclear.

Labcorp Genetics (formerly Invitae), Labcorp
Classification: Uncertain significance for Familial adenomatous polyposis 1. Last evaluated: 2021-05-13. Review status: criteria provided, single submitter. Criteria: Invitae Variant Classification Sherloc (09022015). Collection method: clinical testing. Allele origin: germline.
Comment: This sequence change replaces alanine with glycine at codon 1700 of the APC protein (p.Ala1700Gly). The alanine residue is moderately conserved and there is a small physicochemical difference between alanine and glycine. This variant is not present in population databases (ExAC no frequency). This variant has not been reported in the literature in individuals with APC-related conditions. Algorithms developed to predict the effect of missense changes on protein structure and function (SIFT, PolyPhen-2, Align-GVGD) all suggest that this variant is likely to be tolerated, but these predictions have not been confirmed by published functional studies and their clinical significance is uncertain. In summary, the available evidence is currently insufficient to determine the role of this variant in disease. Therefore, it has been classified as a Variant of Uncertain Significance.

NM_000038.6(APC):c.5099C>G (p.Ala1700Gly)

Gene: APC (APC regulator of Wnt signaling pathway; plus strand). Cytogenetic location: 5q22.2.
Variant type: single nucleotide variant.
Coding change: c.5099C>G on transcript NM_000038.6 (MANE Select); coding-DNA position 5099, C replaced by G.
Protein change: p.Ala1700Gly; replaces alanine 1700 with glycine.
Molecular consequence: missense variant.
Genome position (GRCh38, 1-based): chr5:112,840,693, C>G. VCF-style: chr5-112840693-C-G. GRCh37 (hg19) VCF-style: chr5-112176390-C-G.
Other names: c.5099C>G, p.Ala1700Gly (NM_001127510.3, NM_001354895.2); c.5045C>G, p.Ala1682Gly (NM_001127511.3); c.5153C>G, p.Ala1718Gly (NM_001354896.2); c.5129C>G, p.Ala1710Gly (NM_001354897.2); c.5024C>G, p.Ala1675Gly (NM_001354898.2); c.5015C>G, p.Ala1672Gly (NM_001354899.2); c.4976C>G, p.Ala1659Gly (NM_001354900.2); c.4922C>G, p.Ala1641Gly (NM_001354901.2); and 6 more; short protein forms A1672G, A1682G, A1417G, A1599G, A1641G, A1700G, A1718G, A1574G.
Identifiers: ClinVar variation 1511823 (VCV001511823.9), dbSNP rs876660893, ClinGen allele CA16032481.